The following is an entry in ClinVar:

NM_000929.3(PLA2G5):c.199C>T (p.His67Tyr)

Gene: PLA2G5 (phospholipase A2 group V; plus strand). Cytogenetic location: 1p36.13.
Variant type: single nucleotide variant.
Coding change: c.199C>T on transcript NM_000929.3 (MANE Select); coding-DNA position 199, C replaced by T.
Protein change: p.His67Tyr; replaces histidine 67 with tyrosine.
Molecular consequence: missense variant.
Genome position (GRCh38, 1-based): chr1:20,089,802, C>T. VCF-style: chr1-20089802-C-T. GRCh37 (hg19) VCF-style: chr1-20416295-C-T.
Other names: short protein forms H67Y.
Identifiers: ClinVar variation 2815258 (VCV002815258.3), dbSNP rs775610294, ClinGen allele CA658220.

ClinVar aggregate classification (germline): Uncertain significance (1 of 4 stars; one submission).

Allele frequency attached by ClinVar (database versions not stated): ExAC 0.00001; gnomAD 0.00001; TOPMed 0.00001.
gnomAD v4.1: 1 of 1,613,924 alleles (0.000062%); highest among the groups gnomAD compares: African/African-American, 0.0013%; no homozygotes.

Submission:

Labcorp Genetics (formerly Invitae), Labcorp
Classification: Uncertain significance. Last evaluated: 2022-11-19. Review status: criteria provided, single submitter. Criteria: Invitae Variant Classification Sherloc (09022015). Collection method: clinical testing. Allele origin: germline.
Comment: In summary, the available evidence is currently insufficient to determine the role of this variant in disease. Therefore, it has been classified as a Variant of Uncertain Significance. Algorithms developed to predict the effect of missense changes on protein structure and function (SIFT, PolyPhen-2, Align-GVGD) all suggest that this variant is likely to be disruptive. This variant has not been reported in the literature in individuals affected with PLA2G5-related conditions. This variant is present in population databases (rs775610294, gnomAD 0.007%). This sequence change replaces histidine, which is basic and polar, with tyrosine, which is neutral and polar, at codon 67 of the PLA2G5 protein (p.His67Tyr).